The following is an entry in ClinVar:

ClinVar aggregate classification (germline): Uncertain significance (1 of 4 stars; one submission).

Conditions:
Hereditary cancer-predisposing syndrome. Also called: Neoplastic Syndromes, Hereditary; Tumor predisposition; Hereditary Cancer Syndrome; Hereditary neoplastic syndrome. Identifiers: Orphanet 140162, MedGen C0027672, MeSH D009386, MONDO:0015356.

Submission:

Ambry Genetics
Classification: Uncertain significance for Hereditary cancer-predisposing syndrome. Last evaluated: 2025-09-26. Review status: criteria provided, single submitter. Criteria: Ambry Variant Classification Scheme 2023. Collection method: clinical testing. Allele origin: germline.
Comment: The p.S1360T variant (also known as c.4078T>A), located in coding exon 15 of the APC gene, results from a T to A substitution at nucleotide position 4078. The serine at codon 1360 is replaced by threonine, an amino acid with similar properties. This amino acid position is conserved. In addition, in silico predictors for this gene do not accurately predict pathogenicity. Based on the available evidence, the clinical significance of this variant remains unclear.

NM_000038.6(APC):c.4078T>A (p.Ser1360Thr)

Gene: APC (APC regulator of Wnt signaling pathway; plus strand). Cytogenetic location: 5q22.2.
Variant type: single nucleotide variant.
Coding change: c.4078T>A on transcript NM_000038.6 (MANE Select); coding-DNA position 4078, T replaced by A.
Protein change: p.Ser1360Thr; replaces serine 1360 with threonine.
Molecular consequence: missense variant. On other transcripts: non-coding transcript variant (2).
Genome position (GRCh38, 1-based): chr5:112,839,672, T>A. VCF-style: chr5-112839672-T-A. GRCh37 (hg19) VCF-style: chr5-112175369-T-A.
Other names: c.4078T>A, p.Ser1360Thr (NM_001127510.3, NM_001354895.2, NM_001407450.1); c.4024T>A, p.Ser1342Thr (NM_001127511.3); c.4132T>A, p.Ser1378Thr (NM_001354896.2, NM_001407447.1, NM_001407448.1 and 1 more transcripts); c.4108T>A, p.Ser1370Thr (NM_001354897.2); c.4003T>A, p.Ser1335Thr (NM_001354898.2); c.3994T>A, p.Ser1332Thr (NM_001354899.2); c.3955T>A, p.Ser1319Thr (NM_001354900.2); c.3901T>A, p.Ser1301Thr (NM_001354901.2, NM_001407453.1); and 11 more; short protein forms S1259T, S1269T, S1360T, S1231T, S1388T, S1200T, S1234T, S1353T.
Identifiers: ClinVar variation 4578777 (VCV004578777.1).